The following continues an entry in ClinVar:

NM_000038.6(APC):c.3920T>A (p.Ile1307Lys)

Gene: APC. ClinVar aggregate classification (germline): Conflicting classifications of pathogenicity; association; risk factor. Pathogenic (6); Likely pathogenic (9); Pathogenic, low penetrance (1); Established risk allele (6); Uncertain significance (12).

Literature cited by the submitters, continued: PubMed 28050010 (cited by Women's Health and Genetics/Laboratory Corporation of America, LabCorp); PubMed 25604157 (cited by Women's Health and Genetics/Laboratory Corporation of America, LabCorp); PubMed 10679643 (cited by Women's Health and Genetics/Laboratory Corporation of America, LabCorp); PubMed 15929773 (cited by Women's Health and Genetics/Laboratory Corporation of America, LabCorp); PubMed 11207040 (cited by Women's Health and Genetics/Laboratory Corporation of America, LabCorp); PubMed 28749474 (cited by Women's Health and Genetics/Laboratory Corporation of America, LabCorp); PubMed 30152102 (cited by 3 submitters); PubMed 30426508 (cited by Women's Health and Genetics/Laboratory Corporation of America, LabCorp); PubMed 26187149 (cited by Women's Health and Genetics/Laboratory Corporation of America, LabCorp); PubMed 29961768 (cited by 3 submitters); PubMed 30814645 (cited by Women's Health and Genetics/Laboratory Corporation of America, LabCorp); PubMed 30980208 (cited by Women's Health and Genetics/Laboratory Corporation of America, LabCorp); PubMed 11551102 (cited by Women's Health and Genetics/Laboratory Corporation of America, LabCorp); PubMed 31444830 (cited by 3 submitters); PubMed 32658311 (cited by Women's Health and Genetics/Laboratory Corporation of America, LabCorp and Quest Diagnostics Nichols Institute San Juan Capistrano); PubMed 32854451 (cited by Women's Health and Genetics/Laboratory Corporation of America, LabCorp and AiLife Diagnostics); PubMed 37149903 (cited by Quest Diagnostics Nichols Institute San Juan Capistrano); PubMed 31465090 (cited by Quest Diagnostics Nichols Institute San Juan Capistrano and AiLife Diagnostics); PubMed 34654685 (cited by Quest Diagnostics Nichols Institute San Juan Capistrano); PubMed 31159747 (cited by Quest Diagnostics Nichols Institute San Juan Capistrano and AiLife Diagnostics); PubMed 30620386 (cited by Quest Diagnostics Nichols Institute San Juan Capistrano and AiLife Diagnostics); PubMed 30613976 (cited by Quest Diagnostics Nichols Institute San Juan Capistrano and AiLife Diagnostics); PubMed 11001924 (cited by 4 submitters); PubMed 29478780 (cited by Quest Diagnostics Nichols Institute San Juan Capistrano and AiLife Diagnostics); PubMed 16875934 (cited by Quest Diagnostics Nichols Institute San Juan Capistrano); PubMed 24728327 (cited by 4 submitters); PubMed 24599579 (cited by 3 submitters); PubMed 29506128 (cited by Quest Diagnostics Nichols Institute San Juan Capistrano and AiLife Diagnostics); PubMed 30487145 (cited by Quest Diagnostics Nichols Institute San Juan Capistrano and AiLife Diagnostics); PubMed 12533824 (cited by Quest Diagnostics Nichols Institute San Juan Capistrano); PubMed 27146957 (cited by Quest Diagnostics Nichols Institute San Juan Capistrano and AiLife Diagnostics); PubMed 28135136 (cited by Quest Diagnostics Nichols Institute San Juan Capistrano); PubMed 12173321 (cited by 3 submitters); PubMed 30306255 (cited by AiLife Diagnostics); PubMed 30067863 (cited by AiLife Diagnostics); PubMed 33332384 (cited by AiLife Diagnostics); PubMed 29978187 (cited by AiLife Diagnostics); PubMed 17854661 (cited by AiLife Diagnostics and Counsyl); PubMed 11267860 (cited by AiLife Diagnostics); PubMed 11720476 (cited by AiLife Diagnostics); PubMed 28125075 (cited by AiLife Diagnostics); PubMed 21859464 (cited by AiLife Diagnostics); PubMed 10439961 (cited by 3 submitters); PubMed 30877237 (cited by AiLife Diagnostics); PubMed 31019283 (cited by AiLife Diagnostics); PubMed 18770064 (cited by AiLife Diagnostics); PubMed 30113427 (cited by AiLife Diagnostics); PubMed 31447099 (cited by AiLife Diagnostics); PubMed 9724771 (cited by 4 submitters); PubMed 9731533 (cited by 3 submitters); PubMed 9585599 (cited by OMIM and GeneReviews); PubMed 9731522 (cited by OMIM and GeneReviews); PubMed 9831355 (cited by OMIM and GeneReviews); PubMed 9869602 (cited by OMIM and GeneReviews); PubMed 9869603 (cited by OMIM and GeneReviews); PubMed 9869620 (cited by OMIM and GeneReviews); PubMed 11354631 (cited by OMIM and GeneReviews); PubMed 12621137 (cited by OMIM and GeneReviews); PubMed 14624392 (cited by OMIM and GeneReviews); PubMed 24310308 (cited by Counsyl); PubMed 15712637 (cited by Counsyl); PubMed 20301519 (cited by GeneReviews); NCBI Bookshelf NBK1345 (cited by GeneReviews).